The following is an entry in ClinVar:

NM_001042492.3(NF1):c.3342G>A (p.Leu1114=)

Gene: NF1 (neurofibromin 1; plus strand). Cytogenetic location: 17q11.2.
Variant type: single nucleotide variant.
Coding change: c.3342G>A on transcript NM_001042492.3 (MANE Select); coding-DNA position 3342, G replaced by A.
Protein change: p.Leu1114=; no amino-acid change (leucine 1114 retained).
Molecular consequence: synonymous variant.
Genome position (GRCh38, 1-based): chr17:31,232,727, G>A. VCF-style: chr17-31232727-G-A. GRCh37 (hg19) VCF-style: chr17-29559745-G-A.
Other names: c.3342G>A, p.Leu1114= (NM_000267.4).
Identifiers: ClinVar variation 484019 (VCV000484019.13), dbSNP rs1172575807, ClinGen allele CA499232320.
Genomic context (GRCh38, chr17:31,232,727, plus strand): 5'-CACTATGTAAAGGTCAGTCTTTTTATTTCTCAGATACTTCACATTATTTATGAACCTTTT[G>A]AATGACTGCAGTGAAGTTGAAGATGAAAGTGCGCAAACAGGTGGCAGGAAACGTGGCATG-3'
Protein context (NP_001035957.1, residues 1104-1124): LKYFTLFMNL[Leu1114=]NDCSEVEDES

ClinVar aggregate classification (germline): Likely benign. Review status: criteria provided, multiple submitters, no conflicts (2 of 4 stars). 3 submissions from 3 submitters: Likely benign (3). Last evaluated 2026-01-19.

Conditions:
Hereditary cancer-predisposing syndrome. Also called: Hereditary neoplastic syndrome; Neoplastic Syndromes, Hereditary; Tumor predisposition; Hereditary Cancer Syndrome. Identifiers: Orphanet 140162, MedGen C0027672, MeSH D009386, MONDO:0015356.
Neurofibromatosis, type 1 (NF1). Also called: VON RECKLINGHAUSEN DISEASE; Peripheral type neurofibromatosis; NEUROFIBROMATOSIS, TYPE I, SOMATIC; Neurofibromatosis, type I. Identifiers: Orphanet 636, MedGen C0027831, MONDO:0018975, OMIM 162200. Disease mechanism: loss of function.

Allele frequency attached by ClinVar (database versions not stated): gnomAD exomes below 0.00001; TOPMed 0.00001; gnomAD 0.00003 and 0.00004.

Submissions (3):

Labcorp Genetics (formerly Invitae), Labcorp
Classification: Likely benign for Neurofibromatosis, type 1. Last evaluated: 2026-01-19. Review status: criteria provided, single submitter. Criteria: Invitae Variant Classification Sherloc (09022015). Collection method: clinical testing. Allele origin: germline.

Genome-Nilou Lab
Classification: Likely benign for Neurofibromatosis, type 1. Last evaluated: 2022-03-15. Review status: criteria provided, single submitter. Criteria: ACMG Guidelines, 2015. Collection method: clinical testing. Allele origin: germline. Affected: no.

Ambry Genetics
Classification: Likely benign for Hereditary cancer-predisposing syndrome. Last evaluated: 2016-02-09. Review status: criteria provided, single submitter. Criteria: Ambry Autosomal Dominant and X-Linked criteria (10/2015). Collection method: clinical testing. Allele origin: germline. Observed: 1 variant allele.
Comment: Synonymous alterations with insufficient evidence to classify as benign